The following is an entry in ClinVar:

NM_007194.4(CHEK2):c.1573G>C (p.Gly525Arg)

Gene: CHEK2 (checkpoint kinase 2; minus strand). Cytogenetic location: 22q12.1.
Variant type: single nucleotide variant.
Coding change: c.1573G>C on transcript NM_007194.4 (MANE Select); coding-DNA position 1573, G replaced by C.
Protein change: p.Gly525Arg; replaces glycine 525 with arginine.
Molecular consequence: missense variant.
Genome position (GRCh38, 1-based): chr22:28,687,956, C>G on the plus strand (G>C on the coding strand, the complement: CHEK2 is on the minus strand). VCF-style: chr22-28687956-C-G. GRCh37 (hg19) VCF-style: chr22-29083944-C-G.
Other names: c.1702G>C, p.Gly568Arg (NM_001005735.3); c.910G>C, p.Gly304Arg (NM_001257387.3); c.1372G>C, p.Gly458Arg (NM_001349956.3); c.1486G>C, p.Gly496Arg (NM_145862.3); short protein forms G458R, G525R, G304R, G568R, G496R.
Identifiers: ClinVar variation 819561 (VCV000819561.17), dbSNP rs780512032, ClinGen allele CA411091299.

ClinVar aggregate classification (germline): Uncertain significance. Review status: criteria provided, multiple submitters, no conflicts (2 of 4 stars). 5 submissions from 5 submitters: Uncertain significance (5). Last evaluated 2026-06-10.

Conditions:
Hereditary cancer-predisposing syndrome. Also called: Hereditary Cancer Syndrome; Hereditary neoplastic syndrome; Neoplastic Syndromes, Hereditary; Tumor predisposition. Identifiers: Orphanet 140162, MedGen C0027672, MeSH D009386, MONDO:0015356.
Familial cancer of breast. Also called: hereditary breast carcinoma; BREAST CANCER, FAMILIAL; Hereditary breast cancer. Identifiers: Orphanet 227535, MedGen C0346153, MONDO:0016419, OMIM 114480. Disease mechanism: loss of function.
Breast-ovarian cancer, familial, susceptibility to, 1 (BROVCA1). Also called: OVARIAN CANCER, SUSCEPTIBILITY TO; BRCA1 Hereditary Breast and Ovarian Cancer. Identifiers: Orphanet 145, MedGen C2676676, MONDO:0011450, OMIM 604370. Disease mechanism: loss of function.

Allele frequency attached by ClinVar (database versions not stated): gnomAD exomes below 0.00001.
gnomAD v4.1: 6 of 1,596,408 alleles (0.00038%); highest among the groups gnomAD compares: South Asian, 0.0066%; no homozygotes.

Submissions (5):

Ambry Genetics
Classification: Uncertain significance for Hereditary cancer-predisposing syndrome. Last evaluated: 2026-06-10. Review status: criteria provided, single submitter. Criteria: Ambry Variant Classification Scheme 2023. Collection method: clinical testing. Allele origin: germline.

Labcorp Genetics (formerly Invitae), Labcorp
Classification: Uncertain significance for Familial cancer of breast. Last evaluated: 2025-08-20. Review status: criteria provided, single submitter. Criteria: Invitae Variant Classification Sherloc (09022015). Collection method: clinical testing. Allele origin: germline.
Comment: This sequence change replaces glycine, which is neutral and non-polar, with arginine, which is basic and polar, at codon 525 of the CHEK2 protein (p.Gly525Arg). The frequency data for this variant in the population databases is considered unreliable, as metrics indicate poor data quality at this position in the gnomAD database. This variant has not been reported in the literature in individuals affected with CHEK2-related conditions. ClinVar contains an entry for this variant (Variation ID: 819561). An algorithm developed to predict the effect of missense changes on protein structure and function (PolyPhen-2) suggests that this variant is likely to be tolerated. In summary, the available evidence is currently insufficient to determine the role of this variant in disease. Therefore, it has been classified as a Variant of Uncertain Significance.

Quest Diagnostics Nichols Institute San Juan Capistrano
Classification: Uncertain significance. Last evaluated: 2025-08-09. Review status: criteria provided, single submitter. Criteria: Quest Diagnostics criteria. Collection method: clinical testing. Allele origin: unknown.
Comment: The CHEK2 c.1573G>C (p.Gly525Arg) variant has not been reported in individuals with CHEK2-related conditions in the published literature. The frequency of this variant in the general population (Genome Aggregation Database) is uninformative in the assessment of its pathogenicity. Analysis of this variant using bioinformatics tools for the prediction of the effect of amino acid changes on protein structure and function yielded predictions that this variant is benign. Based on the available information, we are unable to determine the clinical significance of this variant.

Color Diagnostics, LLC DBA Color Health
Classification: Uncertain significance for Hereditary cancer-predisposing syndrome. Last evaluated: 2023-06-20. Review status: criteria provided, single submitter. Criteria: ACMG Guidelines, 2015. Collection method: clinical testing. Allele origin: germline.
Comment: This missense variant replaces glycine with arginine at codon 525 of the CHEK2 protein. Computational prediction suggests that this variant may not impact protein structure and function (internally defined REVEL score threshold <= 0.5, PMID: 27666373). To our knowledge, functional studies have not been reported for this variant. This variant has not been reported in individuals affected with CHEK2-related disorders in the literature, however a variant with the same amino acid change (c.1573G>A, pGly525Arg) has been observed in a breast cancer patient (PMID: 34991090). This variant has been identified in 1/233508 chromosomes in the general population by the Genome Aggregation Database (gnomAD). The available evidence is insufficient to determine the role of this variant in disease conclusively. Therefore, this variant is classified as a Variant of Uncertain Significance.

Neuberg Centre For Genomic Medicine, NCGM
Classification: Uncertain significance for Breast-ovarian cancer, familial, susceptibility to, 1. Review status: criteria provided, single submitter. Criteria: ACMG Guidelines, 2015. Collection method: clinical testing. Allele origin: germline. Inheritance: Autosomal dominant inheritance. Affected: yes.
Comment: The missense variant c.1573G>C (p.Gly525Arg) in the CHEK2 gene has not been reported previously as a pathogenic variant nor as a benign variant, to our knowledge. This variant is reported with the allele frequency (0.0004%) in the gnomAD Exomes and absent in 1000 Genomes. This variant has been reported to the ClinVar database as Uncertain Significance. However, no details are available for independent assessment. The amino acid Glycine at position 525 is changed to a Arginine changing protein sequence and it might alter its composition and physico- chemical properties. The amino acid change p.Gly525Arg in CHEK2 is predicted as conserved by GERP++ and PhyloP across 100 vertebrates. For these reasons, this variant has been classified as Uncertain Significance.

Literature cited by the submitters: PubMed 34991090 (cited by Color Diagnostics, LLC DBA Color Health).